The following is an entry in ClinVar:

ClinVar aggregate classification (germline): Benign. Review status: criteria provided, multiple submitters, no conflicts (2 of 4 stars). 9 submissions from 9 submitters: Benign (8). 1 of the submissions does not count toward it. Last evaluated 2026-02-04.

Conditions:
Microcephalic osteodysplastic primordial dwarfism type II (MOPD2). Also called: MOPD II; OSTEODYSPLASTIC PRIMORDIAL DWARFISM, TYPE II; Microcephalic osteodysplastic primordial dwarfism with tooth abnormalities. Identifiers: Orphanet 2637, MedGen C0432246, MONDO:0008872, OMIM 210720.

Allele frequency attached by ClinVar (database versions not stated): 1000 Genomes Project 0.84864; 1000 Genomes Project 30x 0.85150; gnomAD exomes 0.85520 and 0.87038; ExAC 0.85592; gnomAD 0.87911 and 0.88373; TOPMed 0.88256; ESP Exome Variant Server 0.89382.
gnomAD v4.1: 1,405,616 of 1,613,510 alleles (87%); highest among the groups gnomAD compares: African/African-American, 93%; 613,305 homozygotes.

Submissions (9):

Labcorp Genetics (formerly Invitae), Labcorp
Classification: Benign. Last evaluated: 2026-02-04. Review status: criteria provided, single submitter. Criteria: Invitae Variant Classification Sherloc (09022015). Collection method: clinical testing. Allele origin: germline.

Blueprint Genetics
Classification: Benign. Last evaluated: 2024-11-28. Review status: criteria provided, single submitter. Criteria: ACMG Guidelines, 2015. Collection method: clinical testing. Allele origin: germline.

Genome-Nilou Lab
Classification: Benign for Microcephalic osteodysplastic primordial dwarfism type II. Last evaluated: 2021-09-05. Review status: criteria provided, single submitter. Criteria: ACMG Guidelines, 2015. Collection method: clinical testing. Allele origin: germline. Affected: no.

Illumina Laboratory Services, Illumina
Classification: Benign for Microcephalic osteodysplastic primordial dwarfism type II. Last evaluated: 2018-01-13. Review status: criteria provided, single submitter. Criteria: ICSL Variant Classification Criteria 13 December 2019. Collection method: clinical testing. Allele origin: germline.
Comment: This variant was observed in the ICSL laboratory as part of a predisposition screen in an ostensibly healthy population. It had not been previously curated by ICSL or reported in the Human Gene Mutation Database (HGMD: prior to June 1st, 2018), and was therefore a candidate for classification through an automated scoring system. Utilizing variant allele frequency, disease prevalence and penetrance estimates, and inheritance mode, an automated score was calculated to assess if this variant is too frequent to cause the disease. Based on the score and internal cut-off values, a variant classified as benign is not then subjected to further curation. The score for this variant resulted in a classification of benign for this disease.

Clinical Genetics DNA and cytogenetics Diagnostics Lab, Erasmus MC, Erasmus Medical Center
Classification: Benign for Microcephalic osteodysplastic primordial dwarfism type II. Last evaluated: 2017-05-31. Review status: criteria provided, single submitter. Criteria: ACGS Guidelines, 2013. Collection method: clinical testing. Allele origin: germline. Affected: yes. Study: VKGL Data-share Consensus.

GeneDx
Classification: Benign. Last evaluated: 2015-03-03. Review status: criteria provided, single submitter. Criteria: GeneDx Variant Classification Process June 2021. Collection method: clinical testing. Allele origin: germline. Affected: yes.

Genetic Services Laboratory, University of Chicago
Classification: Benign. Last evaluated: 2013-02-08. Review status: criteria provided, single submitter. Criteria: ACMG Guidelines, 2007. Collection method: clinical testing. Allele origin: germline. Inheritance: Autosomal recessive inheritance.

Breakthrough Genomics
Classification: Benign. Review status: criteria provided, single submitter. Criteria: ACMG Guidelines, 2015. Collection method: not provided. Allele origin: germline. Inheritance: Autosomal recessive inheritance. Affected: yes.

Diagnostic Laboratory, Department of Genetics, University Medical Center Groningen
Classification: Benign for Microcephalic osteodysplastic primordial dwarfism type II. Review status: no assertion criteria provided. Collection method: clinical testing. Allele origin: germline. Affected: yes. Study: VKGL Data-share Consensus. Not counted in ClinVar's aggregate classification.

NM_006031.6(PCNT):c.2111G>A (p.Gly704Glu)

Gene: PCNT (pericentrin; plus strand). Cytogenetic location: 21q22.3.
Variant type: single nucleotide variant.
Coding change: c.2111G>A on transcript NM_006031.6 (MANE Select); coding-DNA position 2111, G replaced by A.
Protein change: p.Gly704Glu; replaces glycine 704 with glutamic acid.
Molecular consequence: missense variant.
Genome position (GRCh38, 1-based): chr21:46,357,148, G>A. VCF-style: chr21-46357148-G-A. GRCh37 (hg19) VCF-style: chr21-47777063-G-A.
Other names: c.1757G>A, p.Gly586Glu (NM_001315529.2); short protein forms G704E, G586E.
Identifiers: ClinVar variation 159569 (VCV000159569.23), dbSNP rs2839223, ClinGen allele CA172977.